The following is an entry in ClinVar:

ClinVar aggregate classification (germline): Uncertain significance (1 of 4 stars; one submission).

Conditions:
Hyperkalemic periodic paralysis. Also called: Familial hyperkalemic periodic paralysis; Gamstorp disease. Identifiers: Orphanet 682, MedGen C0238357, MONDO:0008224, OMIM 170500, HP:0007215.

Allele frequency attached by ClinVar (database versions not stated): gnomAD exomes below 0.00001; TOPMed 0.00001; ExAC 0.00003.

Submission:

Labcorp Genetics (formerly Invitae), Labcorp
Classification: Uncertain significance for Hyperkalemic periodic paralysis. Last evaluated: 2023-10-14. Review status: criteria provided, single submitter. Criteria: Invitae Variant Classification Sherloc (09022015). Collection method: clinical testing. Allele origin: germline.
Comment: This sequence change replaces methionine, which is neutral and non-polar, with valine, which is neutral and non-polar, at codon 1146 of the SCN4A protein (p.Met1146Val). This variant is present in population databases (rs758465889, gnomAD 0.003%). This variant has not been reported in the literature in individuals affected with SCN4A-related conditions. Advanced modeling of protein sequence and biophysical properties (such as structural, functional, and spatial information, amino acid conservation, physicochemical variation, residue mobility, and thermodynamic stability) has been performed at Invitae for this missense variant, however the output from this modeling did not meet the statistical confidence thresholds required to predict the impact of this variant on SCN4A protein function. In summary, the available evidence is currently insufficient to determine the role of this variant in disease. Therefore, it has been classified as a Variant of Uncertain Significance.

NM_000334.4(SCN4A):c.3436A>G (p.Met1146Val)

Genes: GH-LCR (growth hormone locus control region; plus strand), SCN4A (sodium voltage-gated channel alpha subunit 4; minus strand). Cytogenetic location: 17q23.3.
Variant type: single nucleotide variant.
Coding change: c.3436A>G on transcript NM_000334.4 (MANE Select); coding-DNA position 3436, A replaced by G.
Protein change: p.Met1146Val; replaces methionine 1146 with valine.
Molecular consequence: missense variant.
Genome position (GRCh38, 1-based): chr17:63,947,050, T>C on the plus strand (A>G on the coding strand, the complement: SCN4A is on the minus strand). VCF-style: chr17-63947050-T-C. GRCh37 (hg19) VCF-style: chr17-62024410-T-C.
Other names: short protein forms M1146V.
Identifiers: ClinVar variation 2916779 (VCV002916779.3), dbSNP rs758465889, ClinGen allele CA8709284.
Genomic context (GRCh38, chr17:63,947,050, plus strand): 5'-GAAGGTGGCCGGTCCCCCATCCCCAGCCCACCCCAGAGGCCCCTTCAGCACCCACCCTCA[T>C]GCCCTCGAATCGGGACAGTGCCCTCAGGGGACGCAGGGCCCGCAGTGTCCGCAGGGATTT-3'
Protein context (NP_000325.4, residues 1136-1156): PLRALSRFEG[Met1146Val]RVVVNALLGA